The following is an entry in ClinVar:

ClinVar aggregate classification (germline): Uncertain significance (1 of 4 stars; one submission).

Allele frequency attached by ClinVar (database versions not stated): gnomAD 0.00005; 1000 Genomes Project 30x 0.00016; 1000 Genomes Project 0.00020.
gnomAD v4.1: 42 of 1,614,138 alleles (0.0026%); highest among the groups gnomAD compares: Admixed American, 0.012%; no homozygotes.

Submission:

Labcorp Genetics (formerly Invitae), Labcorp
Classification: Uncertain significance. Last evaluated: 2025-08-12. Review status: criteria provided, single submitter. Criteria: Invitae Variant Classification Sherloc (09022015). Collection method: clinical testing. Allele origin: germline.
Comment: This sequence change replaces arginine, which is basic and polar, with histidine, which is basic and polar, at codon 853 of the HK1 protein (p.Arg853His). This variant is present in population databases (rs538768945, gnomAD 0.02%). This variant has not been reported in the literature in individuals affected with HK1-related conditions. ClinVar contains an entry for this variant (Variation ID: 1489346). An algorithm developed to predict the effect of missense changes on protein structure and function outputs the following: PolyPhen-2: "Benign". The histidine amino acid residue is found in multiple mammalian species, which suggests that this missense change does not adversely affect protein function. In summary, the available evidence is currently insufficient to determine the role of this variant in disease. Therefore, it has been classified as a Variant of Uncertain Significance.

NM_000188.3(HK1):c.2558G>A (p.Arg853His)

Gene: HK1 (hexokinase 1; plus strand). Cytogenetic location: 10q22.1.
Variant type: single nucleotide variant.
Coding change: c.2558G>A on transcript NM_000188.3 (MANE Select); coding-DNA position 2558, G replaced by A.
Protein change: p.Arg853His; replaces arginine 853 with histidine.
Molecular consequence: missense variant.
Genome position (GRCh38, 1-based): chr10:69,398,777, G>A. VCF-style: chr10-69398777-G-A. GRCh37 (hg19) VCF-style: chr10-71158533-G-A.
Other names: c.2570G>A, p.Arg857His (NM_001322364.2, NM_001358263.1, NM_033497.3 and 1 more transcripts); c.2663G>A, p.Arg888His (NM_001322365.2); c.2474G>A, p.Arg825His (NM_001322366.1); c.2462G>A, p.Arg821His (NM_001322367.1); c.2555G>A, p.Arg852His (NM_033496.3); c.2522G>A, p.Arg841His (NM_033500.2); short protein forms R825H, R857H, R888H, R821H, R841H, R852H, R853H.
Identifiers: ClinVar variation 1489346 (VCV001489346.8), dbSNP rs538768945, ClinGen allele CA5532879.